The following is an entry in ClinVar:

NM_002335.4(LRP5):c.3646C>T (p.Pro1216Ser)

Gene: LRP5 (LDL receptor related protein 5; plus strand). Cytogenetic location: 11q13.2.
Variant type: single nucleotide variant.
Coding change: c.3646C>T on transcript NM_002335.4 (MANE Select); coding-DNA position 3646, C replaced by T.
Protein change: p.Pro1216Ser; replaces proline 1216 with serine.
Molecular consequence: missense variant.
Genome position (GRCh38, 1-based): chr11:68,429,583, C>T. VCF-style: chr11-68429583-C-T. GRCh37 (hg19) VCF-style: chr11-68197051-C-T.
Other names: c.1903C>T, p.Pro635Ser (NM_001291902.2); short protein forms P635S, P1216S.
Identifiers: ClinVar variation 2105478 (VCV002105478.4), dbSNP rs1182977842, ClinGen allele CA381613159.

ClinVar aggregate classification (germline): Uncertain significance (1 of 4 stars; one submission).

Allele frequency attached by ClinVar (database versions not stated): TOPMed below 0.00001; gnomAD 0.00001.
gnomAD v4.1: 2 of 1,614,024 alleles (0.00012%); highest among the groups gnomAD compares: East Asian, 0.0022%; no homozygotes.

Submission:

Labcorp Genetics (formerly Invitae), Labcorp
Classification: Uncertain significance. Last evaluated: 2022-07-19. Review status: criteria provided, single submitter. Criteria: Invitae Variant Classification Sherloc (09022015). Collection method: clinical testing. Allele origin: germline.
Comment: In summary, the available evidence is currently insufficient to determine the role of this variant in disease. Therefore, it has been classified as a Variant of Uncertain Significance. Advanced modeling of protein sequence and biophysical properties (such as structural, functional, and spatial information, amino acid conservation, physicochemical variation, residue mobility, and thermodynamic stability) performed at Invitae indicates that this missense variant is expected to disrupt LRP5 protein function. This variant has not been reported in the literature in individuals affected with LRP5-related conditions. This variant is present in population databases (no rsID available, gnomAD 0.06%). This sequence change replaces proline, which is neutral and non-polar, with serine, which is neutral and polar, at codon 1216 of the LRP5 protein (p.Pro1216Ser).